The following is an entry in ClinVar:

ClinVar aggregate classification (germline): Uncertain significance. Review status: criteria provided, multiple submitters, no conflicts (2 of 4 stars). 2 submissions from 2 submitters: Uncertain significance (2). Last evaluated 2025-06-07.

Conditions:
Early Myoclonic Encephalopathy. Identifiers: MedGen C0270855.

Allele frequency attached by ClinVar (database versions not stated): gnomAD exomes below 0.00001.
gnomAD v4.1: 1 of 1,609,018 alleles (0.000062%); highest among the groups gnomAD compares: Non-Finnish European, 0.000085%; no homozygotes.

Submissions (2):

Ambry Genetics
Classification: Uncertain significance. Last evaluated: 2025-06-07. Review status: criteria provided, single submitter. Criteria: Ambry Variant Classification Scheme 2023. Collection method: clinical testing. Allele origin: germline.

Labcorp Genetics (formerly Invitae), Labcorp
Classification: Uncertain significance for Early Myoclonic Encephalopathy. Last evaluated: 2023-06-05. Review status: criteria provided, single submitter. Criteria: Invitae Variant Classification Sherloc (09022015). Collection method: clinical testing. Allele origin: germline.
Comment: In summary, the available evidence is currently insufficient to determine the role of this variant in disease. Therefore, it has been classified as a Variant of Uncertain Significance. Algorithms developed to predict the effect of sequence changes on RNA splicing suggest that this variant may create or strengthen a splice site. An algorithm developed to predict the effect of missense changes on protein structure and function (PolyPhen-2) suggests that this variant is likely to be tolerated. This variant has not been reported in the literature in individuals affected with JMJD1C-related conditions. This variant is present in population databases (no rsID available, gnomAD 0.0009%). This sequence change replaces glutamic acid, which is acidic and polar, with glycine, which is neutral and non-polar, at codon 4 of the JMJD1C protein (p.Glu4Gly).

NM_032776.3(JMJD1C):c.11A>G (p.Glu4Gly)

Genes: JMJD1C (jumonji domain containing 1C; minus strand), JMJD1C-AS1 (JMJD1C antisense RNA 1; plus strand). Cytogenetic location: 10q21.3.
Variant type: single nucleotide variant.
Coding change: c.11A>G on transcript NM_032776.3 (MANE Select); coding-DNA position 11, A replaced by G.
Protein change: p.Glu4Gly; replaces glutamic acid 4 with glycine.
Molecular consequence: missense variant. On other transcripts: non-coding transcript variant (1), intron variant (2).
Genome position (GRCh38, 1-based): chr10:63,465,652, T>C on the plus strand (A>G on the coding strand, the complement: JMJD1C is on the minus strand). VCF-style: chr10-63465652-T-C. GRCh37 (hg19) VCF-style: chr10-65225412-T-C.
Other names: c.11A>G, p.Glu4Gly (NM_001322252.2); c.-384+56086A>G (NM_001322258.2); c.-379+56086A>G (NM_001318154.2); c.11A>G (NM_032776.1); short protein forms E4G.
Identifiers: ClinVar variation 2998525 (VCV002998525.4), dbSNP rs1157345246, ClinGen allele CA377088448.